The following is an entry in ClinVar:

NM_001035.3(RYR2):c.9458C>G (p.Ser3153Cys)

Gene: RYR2 (ryanodine receptor 2; plus strand). Cytogenetic location: 1q43.
Variant type: single nucleotide variant.
Coding change: c.9458C>G on transcript NM_001035.3 (MANE Select); coding-DNA position 9458, C replaced by G.
Protein change: p.Ser3153Cys; replaces serine 3153 with cysteine.
Molecular consequence: missense variant.
Genome position (GRCh38, 1-based): chr1:237,705,221, C>G. VCF-style: chr1-237705221-C-G. GRCh37 (hg19) VCF-style: chr1-237868521-C-G.
Other names: short protein forms S3153C.
Identifiers: ClinVar variation 4536354 (VCV004536354.1).

ClinVar aggregate classification (germline): Uncertain significance (1 of 4 stars; one submission).

Submission:

GeneDx
Classification: Uncertain significance. Last evaluated: 2025-06-02. Review status: criteria provided, single submitter. Criteria: GeneDx Variant Classification Process June 2021. Collection method: clinical testing. Allele origin: germline. Affected: yes.
Comment: Not observed at significant frequency in large population cohorts (gnomAD); In silico analysis supports that this missense variant has a deleterious effect on protein structure/function; Not located in one of the three hot-spot regions of the RYR2 gene, where the majority of pathogenic missense variants occur (PMID: 19926015); Has not been previously published as pathogenic or benign to our knowledge; This variant is associated with the following publications: (PMID: 19926015)